The following is an entry in ClinVar:

ClinVar aggregate classification (germline): Uncertain significance. Review status: criteria provided, multiple submitters, no conflicts (2 of 4 stars). 2 submissions from 2 submitters: Uncertain significance (2). Last evaluated 2026-01-12.

Conditions:
Encephalopathy, acute, infection-induced (herpes-specific), susceptibility to, 1. Also called: Herpes simplex encephalitis, susceptibility to, 1. Identifiers: Orphanet 1930, MedGen C2750180, MONDO:0024563, OMIM 610551.

Allele frequency attached by ClinVar (database versions not stated): gnomAD exomes 0.00006; TOPMed 0.00008; gnomAD 0.00001; ExAC 0.00005.
gnomAD v4.1: 19 of 1,614,040 alleles (0.0012%); highest among the groups gnomAD compares: Admixed American, 0.032%; no homozygotes.

Submissions (2):

Labcorp Genetics (formerly Invitae), Labcorp
Classification: Uncertain significance for Encephalopathy, acute, infection-induced (herpes-specific), susceptibility to, 1. Last evaluated: 2026-01-12. Review status: criteria provided, single submitter. Criteria: Invitae Variant Classification Sherloc (09022015). Collection method: clinical testing. Allele origin: germline.
Comment: This sequence change replaces proline, which is neutral and non-polar, with alanine, which is neutral and non-polar, at codon 99 of the TLR3 protein (p.Pro99Ala). This variant is present in population databases (rs754548817, gnomAD 0.04%). This variant has not been reported in the literature in individuals affected with TLR3-related conditions. ClinVar contains an entry for this variant (Variation ID: 1354115). An algorithm developed to predict the effect of missense changes on protein structure and function (PolyPhen-2) suggests that this variant is likely to be tolerated. In summary, the available evidence is currently insufficient to determine the role of this variant in disease. Therefore, it has been classified as a Variant of Uncertain Significance.

Ambry Genetics
Classification: Uncertain significance. Last evaluated: 2021-09-16. Review status: criteria provided, single submitter. Criteria: Ambry Variant Classification Scheme 2023. Collection method: clinical testing. Allele origin: germline.

NM_003265.3(TLR3):c.295C>G (p.Pro99Ala)

Gene: TLR3 (toll like receptor 3; plus strand). Cytogenetic location: 4q35.1.
Variant type: single nucleotide variant.
Coding change: c.295C>G on transcript NM_003265.3 (MANE Select); coding-DNA position 295, C replaced by G.
Protein change: p.Pro99Ala; replaces proline 99 with alanine.
Molecular consequence: missense variant.
Genome position (GRCh38, 1-based): chr4:186,076,914, C>G. VCF-style: chr4-186076914-C-G. GRCh37 (hg19) VCF-style: chr4-186998068-C-G.
Other names: c.295C>G (NM_003265.2); short protein forms P99A.
Identifiers: ClinVar variation 1354115 (VCV001354115.9), dbSNP rs754548817, ClinGen allele CA3161188.